The following is an entry in ClinVar:

ClinVar aggregate classification (germline): Likely pathogenic (1 of 4 stars; one submission).

Conditions:
Primary hyperoxaluria type 3. Also called: PH III. Identifiers: Orphanet 416, Orphanet 93600, MedGen C3150878, MONDO:0013327, OMIM 613616. Disease mechanism: loss of function.

Allele frequency attached by ClinVar (database versions not stated): TOPMed 0.00001; ExAC 0.00004.
gnomAD v4.1: 7 of 1,613,276 alleles (0.00043%); highest among the groups gnomAD compares: Non-Finnish European, 0.00042%; no homozygotes.

Submission:

Clinical Biochemistry Laboratory, Health Services Laboratory
Classification: Likely pathogenic for Primary hyperoxaluria type 3. Last evaluated: 2023-10-27. Review status: criteria provided, single submitter. Criteria: ACMG Guidelines, 2015. Collection method: curation. Allele origin: germline.
Comment: ACMG:PVS1 PM2 PP3

NM_138413.4(HOGA1):c.787G>T (p.Glu263Ter)

Gene: HOGA1 (4-hydroxy-2-oxoglutarate aldolase 1; plus strand). Cytogenetic location: 10q24.2.
Variant type: single nucleotide variant.
Coding change: c.787G>T on transcript NM_138413.4 (MANE Select); coding-DNA position 787, G replaced by T.
Protein change: p.Glu263Ter; replaces glutamic acid 263 with a stop codon.
Molecular consequence: nonsense.
Genome position (GRCh38, 1-based): chr10:97,601,943, G>T. VCF-style: chr10-97601943-G-T. GRCh37 (hg19) VCF-style: chr10-99361700-G-T.
Other names: c.298G>T, p.Glu100Ter (NM_001134670.2); short protein forms E100*, E263*.
Identifiers: ClinVar variation 2664404 (VCV002664404.1), dbSNP rs766236522, ClinGen allele CA5634242.